The following is an entry in ClinVar:

NM_001035.3(RYR2):c.11762C>G (p.Thr3921Arg)

Gene: RYR2 (ryanodine receptor 2; plus strand). Cytogenetic location: 1q43.
Variant type: single nucleotide variant.
Coding change: c.11762C>G on transcript NM_001035.3 (MANE Select); coding-DNA position 11762, C replaced by G.
Protein change: p.Thr3921Arg; replaces threonine 3921 with arginine.
Molecular consequence: missense variant.
Genome position (GRCh38, 1-based): chr1:237,773,635, C>G. VCF-style: chr1-237773635-C-G. GRCh37 (hg19) VCF-style: chr1-237936935-C-G.
Other names: short protein forms T3921R.
Identifiers: ClinVar variation 2822489 (VCV002822489.3), dbSNP rs2527632691, ClinGen allele CA345408019.

ClinVar aggregate classification (germline): Uncertain significance (1 of 4 stars; one submission).

Conditions:
Catecholaminergic polymorphic ventricular tachycardia 1. Also called: VENTRICULAR TACHYCARDIA, STRESS-INDUCED POLYMORPHIC 1; VENTRICULAR TACHYCARDIA, CATECHOLAMINERGIC POLYMORPHIC, 1, WITH OR WITHOUT ATRIAL DYSFUNCTION AND/OR DILATED CARDIOMYOPATHY; RYR2-Related Catecholaminergic Polymorphic Ventricular Tachycardia. Identifiers: Orphanet 3286, MedGen C1631597, MONDO:0011484, OMIM 604772.

Submission:

Labcorp Genetics (formerly Invitae), Labcorp
Classification: Uncertain significance for Catecholaminergic polymorphic ventricular tachycardia 1. Last evaluated: 2022-12-20. Review status: criteria provided, single submitter. Criteria: Invitae Variant Classification Sherloc (09022015). Collection method: clinical testing. Allele origin: germline.
Comment: This sequence change replaces threonine, which is neutral and polar, with arginine, which is basic and polar, at codon 3921 of the RYR2 protein (p.Thr3921Arg). This variant is not present in population databases (gnomAD no frequency). This variant has not been reported in the literature in individuals affected with RYR2-related conditions. Advanced modeling of protein sequence and biophysical properties (such as structural, functional, and spatial information, amino acid conservation, physicochemical variation, residue mobility, and thermodynamic stability) performed at Invitae indicates that this missense variant is expected to disrupt RYR2 protein function. In summary, the available evidence is currently insufficient to determine the role of this variant in disease. Therefore, it has been classified as a Variant of Uncertain Significance.